The following is an entry in ClinVar:

ClinVar aggregate classification (germline): Uncertain significance. Review status: criteria provided, multiple submitters, no conflicts (2 of 4 stars). 3 submissions from 3 submitters: Uncertain significance (3). Last evaluated 2026-09-01.

Conditions:
TTN-related disorder. Also called: TTN-related disorders; TTN-related condition; TTN-related disease.
Dilated cardiomyopathy 1G (CMD1G). Identifiers: Orphanet 154, MedGen C1858763, MONDO:0011400, OMIM 604145.
Autosomal recessive limb-girdle muscular dystrophy type 2J (LGMDR10). Also called: Limb-girdle muscular dystrophy, type 2J; MUSCULAR DYSTROPHY, LIMB-GIRDLE, AUTOSOMAL RECESSIVE 10. Identifiers: Orphanet 140922, MedGen C1837342, MONDO:0012127, OMIM 608807.

Allele frequency attached by ClinVar (database versions not stated): gnomAD exomes 0.00001; ExAC 0.00002.
gnomAD v4.1: 9 of 1,612,142 alleles (0.00056%); highest among the groups gnomAD compares: Non-Finnish European, 0.00076%; no homozygotes.

Submissions (3):

CeGaT Center for Human Genetics Tuebingen
Classification: Uncertain significance. Last evaluated: 2026-09-01. Review status: criteria provided, single submitter. Criteria: CeGaT Center For Human Genetics Tuebingen Variant Classification Criteria Version 2. Collection method: clinical testing. Allele origin: germline. Affected: yes. Observed: 1 variant allele.
Comment: TTN: PM2, BP4

PreventionGenetics, part of Exact Sciences
Classification: Uncertain significance for TTN-related condition. Last evaluated: 2025-08-28. Review status: criteria provided, single submitter. Criteria: ACMG Guidelines, 2015. Collection method: clinical testing. Allele origin: germline.
Comment: The TTN c.34240G>A variant is predicted to result in the amino acid substitution p.Glu11414Lys. To our knowledge, this variant has not been reported in the literature. This variant is reported in 0.0027% of alleles in individuals of European (Non-Finnish) descent in gnomAD. At this time, the clinical significance of this variant is uncertain due to the absence of conclusive functional and genetic evidence.

Labcorp Genetics (formerly Invitae), Labcorp
Classification: Uncertain significance for Dilated cardiomyopathy 1G; Autosomal recessive limb-girdle muscular dystrophy type 2J. Last evaluated: 2017-03-24. Review status: criteria provided, single submitter. Criteria: Invitae Variant Classification Sherloc (09022015). Collection method: clinical testing. Allele origin: germline.

NM_001267550.2(TTN):c.34240G>A (p.Glu11414Lys)

Gene: TTN (titin; minus strand). Cytogenetic location: 2q31.2.
Variant type: single nucleotide variant.
Coding change: c.34240G>A on transcript NM_001267550.2 (MANE Select); coding-DNA position 34240, G replaced by A.
Protein change: p.Glu11414Lys; replaces glutamic acid 11414 with lysine.
Molecular consequence: missense variant. On other transcripts: intron variant (3).
Genome position (GRCh38, 1-based): chr2:178,677,672, C>T on the plus strand (G>A on the coding strand, the complement: TTN is on the minus strand). VCF-style: chr2-178677672-C-T. GRCh37 (hg19) VCF-style: chr2-179542399-C-T.
Other names: c.33289G>A, p.Glu11097Lys (NM_001256850.1); c.30508G>A, p.Glu10170Lys (NM_133378.4); c.13283-35355G>A (NM_003319.4); c.13859-35355G>A (NM_133437.4); c.13658-35355G>A (NM_133432.3); short protein forms E11414K, E11097K, E10170K.
Identifiers: ClinVar variation 467036 (VCV000467036.5), dbSNP rs748080418, ClinGen allele CA1998113.